The following is an entry in ClinVar:

ClinVar aggregate classification (germline): not provided (0 of 4 stars; one submission).

Conditions:
Seizures, benign familial neonatal, 1. Also called: Benign Neonatal Epilepsy 1; KCNQ2-Related Benign Familial Neonatal Epilepsy; KCNQ2-Related Self-Limited Familial Neonatal Epilepsy (SLFNE); Seizures, benign neonatal, 1. Identifiers: Orphanet 1949, MedGen C3149074, MONDO:0007365, OMIM 121200.

Submission:

GeneReviews
No classification provided. Condition: Seizures, benign familial neonatal, 1. Review status: no classification provided. Collection method: literature only. Allele origin: germline. Affected: yes.
Comment: BFNE (benign familial neonatal epilepsy). 5/19 GS between 21 and 45 years.

Literature cited by the submitters: PubMed 9425895; NCBI Bookshelf NBK32534.

NM_172107.4(KCNQ2):c.847_848insGT (p.Lys283fs)

Gene: KCNQ2 (potassium voltage-gated channel subfamily Q member 2; minus strand). Cytogenetic location: 20q13.33.
Variant type: Insertion.
Coding change: c.847_848insGT on transcript NM_172107.4 (MANE Select); coding-DNA positions 847 to 848, GT inserted.
Protein change: p.Lys283fs; shifts the reading frame from lysine 283.
Molecular consequence: frameshift variant.
Genome position: GRCh38 VCF-style: chr20-63439677-T-TAC. GRCh37 (hg19) VCF-style: chr20-62071030-T-TAC.
Other names: c.847_848insGT, p.Lys283fs (NM_004518.6, NM_172106.3, NM_172108.5 and 1 more transcripts); short protein forms K283fs.
Identifiers: ClinVar variation 21804 (VCV000021804.2), dbSNP rs118192210, ClinGen allele CA342536.